The following is an entry in ClinVar:

ClinVar aggregate classification (germline): Uncertain significance. Review status: criteria provided, multiple submitters, no conflicts (2 of 4 stars). 2 submissions from 2 submitters: Uncertain significance (2). Last evaluated 2023-08-07.

Allele frequency attached by ClinVar (database versions not stated): ExAC 0.00001.
gnomAD v4.1: 1 of 1,611,042 alleles (0.000062%); highest among the groups gnomAD compares: South Asian, 0.0011%; no homozygotes.

Submissions (2):

GeneDx
Classification: Uncertain significance. Last evaluated: 2023-08-07. Review status: criteria provided, single submitter. Criteria: GeneDx Variant Classification Process June 2021. Collection method: clinical testing. Allele origin: germline.
Comment: In silico analysis supports that this missense variant does not alter protein structure/function; Has not been previously published as pathogenic or benign to our knowledge

Labcorp Genetics (formerly Invitae), Labcorp
Classification: Uncertain significance. Last evaluated: 2023-05-01. Review status: criteria provided, single submitter. Criteria: Invitae Variant Classification Sherloc (09022015). Collection method: clinical testing. Allele origin: germline.
Comment: This sequence change replaces asparagine, which is neutral and polar, with serine, which is neutral and polar, at codon 1009 of the ITPR1 protein (p.Asn1009Ser). The frequency data for this variant in the population databases is considered unreliable, as metrics indicate poor data quality at this position in the gnomAD database. This variant has not been reported in the literature in individuals affected with ITPR1-related conditions. ClinVar contains an entry for this variant (Variation ID: 1801018). Advanced modeling of protein sequence and biophysical properties (such as structural, functional, and spatial information, amino acid conservation, physicochemical variation, residue mobility, and thermodynamic stability) performed at Invitae indicates that this missense variant is not expected to disrupt ITPR1 protein function. In summary, the available evidence is currently insufficient to determine the role of this variant in disease. Therefore, it has been classified as a Variant of Uncertain Significance.

NM_001378452.1(ITPR1):c.3098A>G (p.Asn1033Ser)

Gene: ITPR1 (inositol 1,4,5-trisphosphate receptor type 1; plus strand). Cytogenetic location: 3p26.1.
Variant type: single nucleotide variant.
Coding change: c.3098A>G on transcript NM_001378452.1 (MANE Select); coding-DNA position 3098, A replaced by G.
Protein change: p.Asn1033Ser; replaces asparagine 1033 with serine.
Molecular consequence: missense variant.
Genome position (GRCh38, 1-based): chr3:4,680,683, A>G. VCF-style: chr3-4680683-A-G. GRCh37 (hg19) VCF-style: chr3-4722367-A-G.
Other names: c.3071A>G, p.Asn1024Ser (NM_001099952.4); c.3053A>G, p.Asn1018Ser (NM_001168272.2); c.3026A>G, p.Asn1009Ser (NM_002222.7); short protein forms N1009S, N1018S, N1024S, N1033S.
Identifiers: ClinVar variation 1801018 (VCV001801018.5), dbSNP rs774836564, ClinGen allele CA2231585.